The following is an entry in ClinVar:

ClinVar aggregate classification (germline): Pathogenic/Likely pathogenic. Review status: criteria provided, multiple submitters, no conflicts (2 of 4 stars). 4 submissions from 4 submitters: Pathogenic (3); Likely pathogenic (1). Last evaluated 2025-03-31.

Conditions:
Aplastic anemia. Identifiers: Orphanet 182040, Orphanet 88, MedGen C0002874, MONDO:0015909, OMIM 609135, HP:0001915.
Microcephaly, normal intelligence and immunodeficiency (NBS). Also called: IMMUNODEFICIENCY, MICROCEPHALY, AND CHROMOSOMAL INSTABILITY; SEEMANOVA SYNDROME II; Ataxia telangiectasia variant V1; Nijmegen breakage syndrome; Microcephaly with normal intelligence immunodeficiency and lymphoreticular malignancies; Nonsyndromal microcephaly autosomal recessive with normal intelligence. Identifiers: Orphanet 647, MedGen C0398791, MONDO:0009623, OMIM 251260.

gnomAD v4.1: 1 of 1,613,644 alleles (0.000062%); highest among the groups gnomAD compares: African/African-American, 0.0013%; no homozygotes.

Submissions (4):

Natera, Inc.
Classification: Likely pathogenic for Nijmegen breakage syndrome. Last evaluated: 2025-03-31. Review status: criteria provided, single submitter. Criteria: Natera Variant Classification Schema (03/2026). Collection method: clinical testing. Allele origin: germline.
Comment: The c.966C>A variant in NBN is a nonsense variant predicted to introduce a stop codon at amino acid 322. This variant is expected to result in nonsense mediated decay, truncation, or a dysfunctional protein product. This variant is rare in the general population with a frequency below the threshold expected for the associated phenotype(s). Given the available evidence, this variant is classified as Likely Pathogenic.

Baylor Genetics
Classification: Pathogenic for Aplastic anemia. Last evaluated: 2023-10-19. Review status: criteria provided, single submitter. Criteria: ACMG Guidelines, 2015. Collection method: clinical testing. Allele origin: unknown.

Myriad Genetics, Inc.
Classification: Pathogenic for Microcephaly, normal intelligence and immunodeficiency. Last evaluated: 2023-09-21. Review status: criteria provided, single submitter. Criteria: Myriad Autosomal Dominant, Autosomal Recessive and X-Linked Classification Criteria (2023). Collection method: clinical testing. Allele origin: unknown.
Comment: NM_002485.4(NBN):c.966C>A(Y322*) is expected to be pathogenic in the context of Nijmegen breakage syndrome. This variant is predicted to lead to an abnormal or absent protein product due to the creation of a premature termination codon in NBN, a gene where loss-of-function variants are known to be pathogenic. Please note: this variant was assessed in the context of healthy population screening.

Labcorp Genetics (formerly Invitae), Labcorp
Classification: Pathogenic for Microcephaly, normal intelligence and immunodeficiency. Last evaluated: 2022-09-08. Review status: criteria provided, single submitter. Criteria: Invitae Variant Classification Sherloc (09022015). Collection method: clinical testing. Allele origin: germline.
Comment: For these reasons, this variant has been classified as Pathogenic. ClinVar contains an entry for this variant (Variation ID: 1453183). This premature translational stop signal has been observed in individual(s) with breast cancer (PMID: 30980208, 32658311). This variant is present in population databases (no rsID available, gnomAD 0.01%). This sequence change creates a premature translational stop signal (p.Tyr322*) in the NBN gene. It is expected to result in an absent or disrupted protein product. Loss-of-function variants in NBN are known to be pathogenic (PMID: 9590180, 16415040).

Literature cited by the submitters: PubMed 30980208 (cited by Labcorp Genetics (formerly Invitae), Labcorp); PubMed 32658311 (cited by Labcorp Genetics (formerly Invitae), Labcorp); PubMed 9590180 (cited by Labcorp Genetics (formerly Invitae), Labcorp); PubMed 16415040 (cited by Labcorp Genetics (formerly Invitae), Labcorp).

NM_002485.5(NBN):c.966C>A (p.Tyr322Ter)

Gene: NBN (nibrin; minus strand). Cytogenetic location: 8q21.3.
Variant type: single nucleotide variant.
Coding change: c.966C>A on transcript NM_002485.5 (MANE Select); coding-DNA position 966, C replaced by A.
Protein change: p.Tyr322Ter; replaces tyrosine 322 with a stop codon.
Molecular consequence: nonsense.
Genome position (GRCh38, 1-based): chr8:89,964,438, G>T on the plus strand (C>A on the coding strand, the complement: NBN is on the minus strand). VCF-style: chr8-89964438-G-T. GRCh37 (hg19) VCF-style: chr8-90976666-G-T.
Other names: c.966C>A (NM_002485.4); c.720C>A, p.Tyr240Ter (NM_001024688.3); short protein forms Y240*, Y322*.
Identifiers: ClinVar variation 1453183 (VCV001453183.10), dbSNP rs748453607, ClinGen allele CA371656922.